The following is an entry in ClinVar:

ClinVar aggregate classification (germline): Uncertain significance (1 of 4 stars; one submission).

Conditions:
Cardiovascular phenotype. Identifiers: MedGen CN230736.

gnomAD v4.1: 8 of 1,613,948 alleles (0.0005%); highest among the groups gnomAD compares: Admixed American, 0.005%; no homozygotes.

Submission:

Ambry Genetics
Classification: Uncertain significance for Cardiovascular phenotype. Last evaluated: 2024-12-28. Review status: criteria provided, single submitter. Criteria: Ambry Variant Classification Scheme 2023. Collection method: clinical testing. Allele origin: germline.
Comment: The p.G156V variant (also known as c.467G>T), located in coding exon 4 of the PRDM5 gene, results from a G to T substitution at nucleotide position 467. The glycine at codon 156 is replaced by valine, an amino acid with dissimilar properties. This amino acid position is conserved. In addition, this alteration is predicted to be tolerated by in silico analysis. Based on the available evidence, the clinical significance of this variant remains unclear.

NM_018699.4(PRDM5):c.467G>T (p.Gly156Val)

Gene: PRDM5 (PR/SET domain 5; minus strand). Cytogenetic location: 4q27.
Variant type: single nucleotide variant.
Coding change: c.467G>T on transcript NM_018699.4 (MANE Select); coding-DNA position 467, G replaced by T.
Protein change: p.Gly156Val; replaces glycine 156 with valine.
Molecular consequence: missense variant.
Genome position (GRCh38, 1-based): chr4:120,821,179, C>A on the plus strand (G>T on the coding strand, the complement: PRDM5 is on the minus strand). VCF-style: chr4-120821179-C-A. GRCh37 (hg19) VCF-style: chr4-121742334-C-A.
Other names: c.467G>T, p.Gly156Val (NM_001300823.2, NM_001300824.2, NM_001379104.1 and 1 more transcripts); short protein forms G156V.
Identifiers: ClinVar variation 3783074 (VCV003783074.1).